The following is an entry in ClinVar:

NM_018006.5(TRMU):c.773-12_773-9del

Gene: TRMU (tRNA mitochondrial 2-thiouridylase; plus strand). Cytogenetic location: 22q13.31.
Variant type: Deletion.
Coding change: c.773-12_773-9del on transcript NM_018006.5 (MANE Select); 12 bases into the intron before coding-DNA position 773 through 9 bases into the intron before coding-DNA position 773, 4 bases deleted (GTCT; older notation c.773-12_773-9delGTCT).
Molecular consequence: intron variant.
Genome position (GRCh38, 1-based): chr22:46,353,755-46,353,758, GTCT deleted; deleting any 4 consecutive bases within chr22:46,353,753-46,353,758 gives the same sequence; the c. name uses the placement nearest the transcript's 3' end. VCF-style (leftmost placement, unchanged base first): chr22-46353752-ACTGT-A. GRCh37 (hg19) VCF-style: chr22-46749649-ACTGT-A.
Other names: c.773-12_773-9delGTCT (NM_018006.5, NM_018006.4); c.773-12_773-9del (NM_001282785.2); c.431-12_431-9del (NM_001282782.2); c.353-12_353-9del (NM_001282783.2, NM_001282784.2).
Identifiers: ClinVar variation 215293 (VCV000215293.7), dbSNP rs863224241, ClinGen allele CA325370.

ClinVar aggregate classification (germline): Conflicting classifications of pathogenicity. Review status: criteria provided, conflicting classifications (1 of 4 stars). 4 submissions from 4 submitters: Uncertain significance (1); Likely benign (1). 2 of the submissions do not count toward it. Last evaluated 2026-01-04.

Conditions:
Acute infantile liver failure due to synthesis defect of mtDNA-encoded proteins. Also called: LIVER FAILURE, INFANTILE, TRANSIENT; TRMU Deficiency; Liver failure acute infantile. Identifiers: Orphanet 217371, MedGen C3278664, MONDO:0013111, OMIM 613070.
TRMU-related disorder. Also called: TRMU-related condition.

Submissions (4):

Labcorp Genetics (formerly Invitae), Labcorp
Classification: Likely benign. Last evaluated: 2026-01-04. Review status: criteria provided, single submitter. Criteria: Invitae Variant Classification Sherloc (09022015). Collection method: clinical testing. Allele origin: germline.

GeneDx
Classification: Uncertain significance. Last evaluated: 2014-03-04. Review status: criteria provided, single submitter. Criteria: GeneDx Variant Classification (06012015). Collection method: clinical testing. Allele origin: germline. Affected: yes.
Comment: c.773-12_773-9delGTCT: IVS7-12_IVS-9delGTCT in intron 7 of the TRMU gene (NM_018006.4). The normal sequence with the bases that are deleted in braces is: aact{gtct}ttct. The c.773-12_773-9delGTCT variant of unknown significance identified in the TRMU gene has not been published as a mutation, nor has it been reported as a benign polymorphism to our knowledge. In-silico splice prediction models predict that c.773-12_773-9delGTCT may damage the normal splice acceptor site in intron 7, which would be expected to lead to abnormal gene splicing. However, the true effect of c.773-12_773-9delGTCT on splicing in vivo is not known. Therefore, based on the currently available information, it is unclear whether this variant is a pathogenic mutation or a rare benign variant. The variant is found in MITONUC-MITOP panel(s).

PreventionGenetics, part of Exact Sciences
Classification: Uncertain significance for TRMU-related condition. Last evaluated: 2024-07-31. Review status: no assertion criteria provided. Collection method: clinical testing. Allele origin: germline. Not counted in ClinVar's aggregate classification.
Comment: The TRMU c.773-12_773-9delGTCT variant is predicted to result in an intronic deletion. To our knowledge, this variant has not been reported in the literature. This variant is reported in 0.028% of alleles in individuals of European (Non-Finnish) descent in gnomAD. This variant is predicted to alter splicing based on available splicing prediction programs (SpliceAI, Jaganathan et al. 2019. PubMed ID: 30661751). However, the use of computer prediction programs is not equivalent to functional evidence. At this time, the clinical significance of this variant is uncertain due to the absence of conclusive functional and genetic evidence.

Natera, Inc.
Classification: Uncertain significance for Transient infantile liver failure. Last evaluated: 2020-09-16. Review status: no assertion criteria provided. Collection method: clinical testing. Allele origin: germline. Not counted in ClinVar's aggregate classification.